The following is an entry in ClinVar:

NM_006421.5(ARFGEF1):c.91T>A (p.Ser31Thr)

Gene: ARFGEF1 (ARF guanine nucleotide exchange factor 1; minus strand). Cytogenetic location: 8q13.2.
Variant type: single nucleotide variant.
Coding change: c.91T>A on transcript NM_006421.5 (MANE Select); coding-DNA position 91, T replaced by A.
Protein change: p.Ser31Thr; replaces serine 31 with threonine.
Molecular consequence: missense variant. On other transcripts: 5 prime UTR variant (4), non-coding transcript variant (1).
Genome position (GRCh38, 1-based): chr8:67,343,197, A>T on the plus strand (T>A on the coding strand, the complement: ARFGEF1 is on the minus strand). VCF-style: chr8-67343197-A-T. GRCh37 (hg19) VCF-style: chr8-68255432-A-T.
Other names: c.91T>A, p.Ser31Thr (NM_001413184.1, NM_001413185.1, NM_001413186.1 and 7 more transcripts); c.-500T>A (NM_001413188.1); c.-546T>A (NM_001413193.1); c.-1025T>A (NM_001413196.1); c.-479T>A (NM_001413197.1); short protein forms S31T.
Identifiers: ClinVar variation 5002937 (VCV005002937.1).

ClinVar aggregate classification (germline): Uncertain significance (1 of 4 stars; one submission).

Conditions:
Developmental delay, impaired speech, and behavioral abnormalities, with or without seizures (DEDISB). Identifiers: MedGen C5575272, MONDO:0859263, OMIM 619964.

Submission:

OLLIN Analises Genomicas, OLLIN
Classification: Uncertain significance for Developmental delay, impaired speech, and behavioral abnormalities, with or without seizures. Last evaluated: 2026-08-06. Review status: criteria provided, single submitter. Criteria: ACMG Guidelines 2015 PMID 25741868. Collection method: clinical testing. Allele origin: germline. Inheritance: Autosomal dominant inheritance.
Comment: This missense variant, located in exon 1 (of 39), is absent from gnomAD and ClinVar and has not been identified in the literature. In silico analysis predicts that this variant has a tolerated effect. According to the currently available evidence, this variant has been classified as uncertain significance (PM2_P, BP4_M).